The following is an entry in ClinVar:

NM_198994.3(TGM6):c.1331C>T (p.Pro444Leu)

Gene: TGM6 (transglutaminase 6; plus strand). Cytogenetic location: 20p13.
Variant type: single nucleotide variant.
Coding change: c.1331C>T on transcript NM_198994.3 (MANE Select); coding-DNA position 1331, C replaced by T.
Protein change: p.Pro444Leu; replaces proline 444 with leucine.
Molecular consequence: missense variant.
Genome position (GRCh38, 1-based): chr20:2,403,818, C>T. VCF-style: chr20-2403818-C-T. GRCh37 (hg19) VCF-style: chr20-2384464-C-T.
Other names: c.1331C>T (NM_198994.2); c.1331C>T, p.Pro444Leu (NM_001254734.2); short protein forms P444L.
Identifiers: ClinVar variation 2899727 (VCV002899727.4), dbSNP rs762711483, ClinGen allele CA9732046.

ClinVar aggregate classification (germline): Uncertain significance. Review status: criteria provided, multiple submitters, no conflicts (2 of 4 stars). 2 submissions from 2 submitters: Uncertain significance (2). Last evaluated 2025-10-02.

Conditions:
Inborn genetic diseases. Identifiers: MedGen C0950123, MeSH D030342.

Allele frequency attached by ClinVar (database versions not stated): gnomAD exomes below 0.00001; TOPMed below 0.00001; ExAC 0.00001.
gnomAD v4.1: 4 of 1,614,078 alleles (0.00025%); highest among the groups gnomAD compares: South Asian, 0.0011%; no homozygotes.

Submissions (2):

Labcorp Genetics (formerly Invitae), Labcorp
Classification: Uncertain significance. Last evaluated: 2025-10-02. Review status: criteria provided, single submitter. Criteria: Invitae Variant Classification Sherloc (09022015). Collection method: clinical testing. Allele origin: germline.
Comment: This sequence change replaces proline, which is neutral and non-polar, with leucine, which is neutral and non-polar, at codon 444 of the TGM6 protein (p.Pro444Leu). The frequency data for this variant in the population databases is considered unreliable, as metrics indicate poor data quality at this position in the gnomAD database. This variant has not been reported in the literature in individuals affected with TGM6-related conditions. ClinVar contains an entry for this variant (Variation ID: 2899727). Invitae Evidence Modeling of protein sequence and biophysical properties (such as structural, functional, and spatial information, amino acid conservation, physicochemical variation, residue mobility, and thermodynamic stability) indicates that this missense variant is not expected to disrupt TGM6 protein function with a negative predictive value of 80%. In summary, the available evidence is currently insufficient to determine the role of this variant in disease. Therefore, it has been classified as a Variant of Uncertain Significance.

Ambry Genetics
Classification: Uncertain significance for Inborn genetic diseases. Last evaluated: 2024-11-07. Review status: criteria provided, single submitter. Criteria: Ambry Variant Classification Scheme 2023. Collection method: clinical testing. Allele origin: germline.